The following is an entry in ClinVar:

NM_014334.4(FRRS1L):c.589T>G (p.Phe197Val)

Gene: FRRS1L (ferric chelate reductase 1 like; minus strand). Cytogenetic location: 9q31.3.
Variant type: single nucleotide variant.
Coding change: c.589T>G on transcript NM_014334.4 (MANE Select); coding-DNA position 589, T replaced by G.
Protein change: p.Phe197Val; replaces phenylalanine 197 with valine.
Molecular consequence: missense variant.
Genome position (GRCh38, 1-based): chr9:109,141,463, A>C on the plus strand (T>G on the coding strand, the complement: FRRS1L is on the minus strand). VCF-style: chr9-109141463-A-C. GRCh37 (hg19) VCF-style: chr9-111903743-A-C.
Other names: short protein forms F197V.
Identifiers: ClinVar variation 542874 (VCV000542874.13), dbSNP rs145737336, ClinGen allele CA5177370.
Genomic context (GRCh38, chr9:109,141,463, plus strand): 5'-TTTCATCTCTGGGAACATTCACAGGGCGTTTAAATCTGCAGGTGACGCGATTGTTCTCAA[A>C]AACTCCTTCTTCATCTCTGGCAGGGTTTCTCTGAATCTCCTTTGCCCACTGGCCTACATT-3'
Protein context (NP_055149.3, residues 187-207): RNPARDEEGV[Phe197Val]ENNRVTCRFK

ClinVar aggregate classification (germline): Uncertain significance. Review status: criteria provided, multiple submitters, no conflicts (2 of 4 stars). 4 submissions from 4 submitters: Uncertain significance (4). Last evaluated 2025-12-31.

Conditions:
Developmental and epileptic encephalopathy, 37 (DEE37). Also called: Epileptic encephalopathy, early infantile, 37. Identifiers: MedGen C4310770, MONDO:0014859, OMIM 616981.
Inborn genetic diseases. Identifiers: MedGen C0950123, MeSH D030342.

Allele frequency attached by ClinVar (database versions not stated): TOPMed 0.00026; 1000 Genomes Project 30x 0.00031; 1000 Genomes Project 0.00040; gnomAD exomes 0.00002 and 0.00006; ExAC 0.00009; ESP Exome Variant Server 0.00015; gnomAD 0.00019.

Submissions (4):

GeneDx
Classification: Uncertain significance. Last evaluated: 2025-12-31. Review status: criteria provided, single submitter. Criteria: GeneDx Variant Classification Process June 2021. Collection method: clinical testing. Allele origin: germline. Affected: yes.
Comment: Has not been previously published as pathogenic or benign to our knowledge; In silico analysis suggests that this missense variant does not alter protein structure/function

Labcorp Genetics (formerly Invitae), Labcorp
Classification: Uncertain significance for Developmental and epileptic encephalopathy, 37. Last evaluated: 2025-10-22. Review status: criteria provided, single submitter. Criteria: Invitae Variant Classification Sherloc (09022015). Collection method: clinical testing. Allele origin: germline.
Comment: This sequence change replaces phenylalanine, which is neutral and non-polar, with valine, which is neutral and non-polar, at codon 248 of the FRRS1L protein (p.Phe248Val). This variant is present in population databases (rs145737336, gnomAD 0.06%). This variant has not been reported in the literature in individuals affected with FRRS1L-related conditions. ClinVar contains an entry for this variant (Variation ID: 542874). An algorithm developed to predict the effect of missense changes on protein structure and function (PolyPhen-2) suggests that this variant is likely to be tolerated. In summary, the available evidence is currently insufficient to determine the role of this variant in disease. Therefore, it has been classified as a Variant of Uncertain Significance.

Ambry Genetics
Classification: Uncertain significance for Inborn genetic diseases. Last evaluated: 2024-01-29. Review status: criteria provided, single submitter. Criteria: Ambry Variant Classification Scheme 2023. Collection method: clinical testing. Allele origin: germline.

New York Genome Center
Classification: Uncertain significance for Developmental and epileptic encephalopathy, 37. Last evaluated: 2021-12-01. Review status: criteria provided, single submitter. Criteria: NYGC Assertion Criteria 2020. Collection method: clinical testing. Allele origin: germline. Observed: 1 heterozygote. Study: CSER-NYCKidSeq.